The following is an entry in ClinVar:

NM_001365999.1(SZT2):c.9460T>C (p.Ser3154Pro)

Genes: SZT2-AS1 (SZT2 antisense RNA 1; minus strand), SZT2 (SZT2 subunit of KICSTOR complex; plus strand). Cytogenetic location: 1p34.2.
Variant type: single nucleotide variant.
Coding change: c.9460T>C on transcript NM_001365999.1 (MANE Select); coding-DNA position 9460, T replaced by C.
Protein change: p.Ser3154Pro; replaces serine 3154 with proline.
Molecular consequence: missense variant. On other transcripts: non-coding transcript variant (1).
Genome position (GRCh38, 1-based): chr1:43,447,868, T>C. VCF-style: chr1-43447868-T-C. GRCh37 (hg19) VCF-style: chr1-43913539-T-C.
Other names: c.9289T>C, p.Ser3097Pro (NM_015284.4); short protein forms S3097P, S3154P.
Identifiers: ClinVar variation 588763 (VCV000588763.12), dbSNP rs1271549438, ClinGen allele CA340043306.

ClinVar aggregate classification (germline): Uncertain significance. Review status: criteria provided, multiple submitters, no conflicts (2 of 4 stars). 3 submissions from 3 submitters: Uncertain significance (3). Last evaluated 2023-04-11.

Conditions:
Developmental and epileptic encephalopathy, 18 (DEE18). Also called: Early infantile epileptic encephalopathy 18. Identifiers: Orphanet 369894, MedGen C3809624, MONDO:0014201, OMIM 615476.
Inborn genetic diseases. Identifiers: MedGen C0950123, MeSH D030342.

Allele frequency attached by ClinVar (database versions not stated): gnomAD exomes below 0.00001 and 0.00003; TOPMed 0.00001.
gnomAD v4.1: 16 of 1,614,120 alleles (0.00099%); highest among the groups gnomAD compares: Non-Finnish European, 0.0014%; no homozygotes.

Submissions (3):

Genome-Nilou Lab
Classification: Uncertain significance for Developmental and epileptic encephalopathy, 18. Last evaluated: 2023-04-11. Review status: criteria provided, single submitter. Criteria: ACMG Guidelines, 2015. Collection method: clinical testing. Allele origin: germline. Affected: no.

Ambry Genetics
Classification: Uncertain significance for Inborn genetic diseases. Last evaluated: 2022-06-24. Review status: criteria provided, single submitter. Criteria: Ambry Variant Classification Scheme 2023. Collection method: clinical testing. Allele origin: germline.

Labcorp Genetics (formerly Invitae), Labcorp
Classification: Uncertain significance. Last evaluated: 2022-01-14. Review status: criteria provided, single submitter. Criteria: Invitae Variant Classification Sherloc (09022015). Collection method: clinical testing. Allele origin: germline.
Comment: This sequence change replaces serine, which is neutral and polar, with proline, which is neutral and non-polar, at codon 3097 of the SZT2 protein (p.Ser3097Pro). This variant is not present in population databases (gnomAD no frequency). This variant has not been reported in the literature in individuals affected with SZT2-related conditions. ClinVar contains an entry for this variant (Variation ID: 588763). In summary, the available evidence is currently insufficient to determine the role of this variant in disease. Therefore, it has been classified as a Variant of Uncertain Significance. Algorithms developed to predict the effect of missense changes on protein structure and function are either unavailable or do not agree on the potential impact of this missense change (SIFT: "Tolerated"; PolyPhen-2: "Probably Damaging"; Align-GVGD: "Class C0").